The following is an entry in ClinVar:

ClinVar aggregate classification (germline): Uncertain significance. Review status: criteria provided, multiple submitters, no conflicts (2 of 4 stars). 2 submissions from 2 submitters: Uncertain significance (2). Last evaluated 2025-06-29.

Conditions:
Cardiomyopathy (CMYO). Also called: Cardiomyopathies. Identifiers: Orphanet 167848, MedGen C0878544, MONDO:0004994, HP:0001638. Inheritance: Various modes of inheritance.
Catecholaminergic polymorphic ventricular tachycardia (CVPT). Also called: Catecholamine-induced polymorphic ventricular tachycardia. Identifiers: Orphanet 3286, MedGen C5574922, MONDO:0017990.

Submissions (2):

Color Diagnostics, LLC DBA Color Health
Classification: Uncertain significance for Cardiomyopathy. Last evaluated: 2025-06-29. Review status: criteria provided, single submitter. Criteria: ACMG Guidelines, 2015. Collection method: clinical testing. Allele origin: germline.
Comment: This missense variant replaces threonine with serine at codon 3866 of the RYR2 protein. Computational prediction suggests that this variant may have deleterious impact on protein structure and function. To our knowledge, functional studies have not been reported for this variant. This variant has not been reported in individuals affected with RYR2-related disorders in the literature. This variant has not been identified in the general population by the Genome Aggregation Database (gnomAD). The available evidence is insufficient to determine the role of this variant in disease conclusively. Therefore, this variant is classified as a Variant of Uncertain Significance.

All of Us Research Program, National Institutes of Health
Classification: Uncertain significance for Catecholaminergic polymorphic ventricular tachycardia. Last evaluated: 2023-03-09. Review status: criteria provided, single submitter. Criteria: ACMG Guidelines, 2015. Collection method: clinical testing. Allele origin: germline. Inheritance: Autosomal dominant inheritance. Observed: 1 variant allele, 1 heterozygote.
Comment: This missense variant replaces threonine with serine at codon 3866 of the RYR2 protein. Computational prediction suggests that this variant may have deleterious impact on protein structure and function (internally defined REVEL score threshold >= 0.7, PMID: 27666373). To our knowledge, functional studies have not been reported for this variant. This variant has not been reported in individuals affected with RYR2-related disorders in the literature. This variant has not been identified in the general population by the Genome Aggregation Database (gnomAD). The available evidence is insufficient to determine the role of this variant in disease conclusively. Therefore, this variant is classified as a Variant of Uncertain Significance.

This study involves interpretation of variants in research participants for the purpose of population health screening. Participant phenotype was not available at the time of variant classification. Additional details can be found in publication PMID: 35346344, PMCID: PMC8962531

NM_001035.3(RYR2):c.11596A>T (p.Thr3866Ser)

Gene: RYR2 (ryanodine receptor 2; plus strand). Cytogenetic location: 1q43.
Variant type: single nucleotide variant.
Coding change: c.11596A>T on transcript NM_001035.3 (MANE Select); coding-DNA position 11596, A replaced by T.
Protein change: p.Thr3866Ser; replaces threonine 3866 with serine.
Molecular consequence: missense variant.
Genome position (GRCh38, 1-based): chr1:237,772,050, A>T. VCF-style: chr1-237772050-A-T. GRCh37 (hg19) VCF-style: chr1-237935350-A-T.
Other names: short protein forms T3866S.
Identifiers: ClinVar variation 3069812 (VCV003069812.2), dbSNP rs2527612526, ClinGen allele CA345407102.